The following is an entry in ClinVar:

NM_006164.5(NFE2L2):c.1732C>A (p.Pro578Thr)

Gene: NFE2L2 (NFE2 like bZIP transcription factor 2; minus strand). Cytogenetic location: 2q31.2.
Variant type: single nucleotide variant.
Coding change: c.1732C>A on transcript NM_006164.5 (MANE Select); coding-DNA position 1732, C replaced by A.
Protein change: p.Pro578Thr; replaces proline 578 with threonine.
Molecular consequence: missense variant.
Genome position (GRCh38, 1-based): chr2:177,230,871, G>T on the plus strand (C>A on the coding strand, the complement: NFE2L2 is on the minus strand). VCF-style: chr2-177230871-G-T. GRCh37 (hg19) VCF-style: chr2-178095599-G-T.
Other names: c.1684C>A, p.Pro562Thr (NM_001145412.3, NM_001313900.1, NM_001313901.1); c.1663C>A, p.Pro555Thr (NM_001145413.3); c.1642C>A, p.Pro548Thr (NM_001313902.2); c.1513C>A, p.Pro505Thr (NM_001313903.2); c.1432C>A, p.Pro478Thr (NM_001313904.1); short protein forms P478T, P505T, P548T, P555T, P562T, P578T.
Identifiers: ClinVar variation 3345275 (VCV003345275.1).

ClinVar aggregate classification (germline): Uncertain significance (0 of 4 stars; one submission).

Conditions:
NFE2L2-related disorder. Also called: NFE2L2-related condition.

Submission:

PreventionGenetics, part of Exact Sciences
Classification: Uncertain significance for NFE2L2-related condition. Last evaluated: 2024-08-23. Review status: no assertion criteria provided. Collection method: clinical testing. Allele origin: germline.
Comment: The NFE2L2 c.1732C>A variant is predicted to result in the amino acid substitution p.Pro578Thr. To our knowledge, this variant has not been reported in the literature or in a large population database, indicating this variant is rare. At this time, the clinical significance of this variant is uncertain due to the absence of conclusive functional and genetic evidence.